The following is an entry in ClinVar:

ClinVar aggregate classification (germline): Pathogenic. Review status: criteria provided, multiple submitters, no conflicts (2 of 4 stars). 5 submissions from 5 submitters: Pathogenic (5). Last evaluated 2026-02-26.

Conditions:
NF1-related disorder. Also called: NF1-related condition. Identifiers: MedGen CN379171.
Neurofibromatosis, type 1 (NF1). Also called: VON RECKLINGHAUSEN DISEASE; Neurofibromatosis, type I; NEUROFIBROMATOSIS, TYPE I, SOMATIC; Peripheral type neurofibromatosis. Identifiers: Orphanet 636, MedGen C0027831, MONDO:0018975, OMIM 162200. Disease mechanism: loss of function.

Submissions (5):

NHS Central & South Genomic Laboratory Hub
Classification: Pathogenic for Neurofibromatosis type 1. Last evaluated: 2026-02-26. Review status: criteria provided, single submitter. Criteria: ACMG Guidelines, 2015. Collection method: clinical testing. Allele origin: germline. Affected: yes.

Labcorp Genetics (formerly Invitae), Labcorp
Classification: Pathogenic for Neurofibromatosis, type 1. Last evaluated: 2025-05-15. Review status: criteria provided, single submitter. Criteria: Invitae Variant Classification Sherloc (09022015). Collection method: clinical testing. Allele origin: germline.
Comment: This sequence change creates a premature translational stop signal (p.Gln2413*) in the NF1 gene. It is expected to result in an absent or disrupted protein product. Loss-of-function variants in NF1 are known to be pathogenic (PMID: 10712197, 23913538). This variant is not present in population databases (gnomAD no frequency). This premature translational stop signal has been observed in individual(s) with neurofibromatosis, type 1 (PMID: 10712197, 21354044, 22155606). Invitae Evidence Modeling of clinical and family history, age, sex, and reported ancestry of multiple individuals with this NF1 variant has been performed. This variant is expected to be pathogenic with a positive predictive value of at least 99%. This is a validated machine learning model that incorporates the clinical features of 1,785,918 individuals referred to our laboratory for NF1 testing. ClinVar contains an entry for this variant (Variation ID: 1070744). For these reasons, this variant has been classified as Pathogenic.

GeneDx
Classification: Pathogenic. Last evaluated: 2024-09-18. Review status: criteria provided, single submitter. Criteria: GeneDx Variant Classification Process June 2021. Collection method: clinical testing. Allele origin: germline. Affected: yes.
Comment: Nonsense variant predicted to result in protein truncation or nonsense mediated decay in a gene for which loss of function is a known mechanism of disease; Not observed at significant frequency in large population cohorts (gnomAD); This variant is associated with the following publications: (PMID: 25525159, 22155606, 28529006, 37073110, 23913538, 21354044, 10712197)

Blueprint Genetics
Classification: Pathogenic for NF1-related disorders. Last evaluated: 2023-03-07. Review status: criteria provided, single submitter. Criteria: ACMG Guidelines, 2015. Collection method: clinical testing. Allele origin: germline. Affected: yes. Observed: 3 variant alleles.

Juno Genomics, Hangzhou Juno Genomics, Inc
Classification: Pathogenic for Neurofibromatosis, type 1. Review status: criteria provided, single submitter. Criteria: ACMG Guidelines, 2015. Collection method: clinical testing. Allele origin: germline. Affected: yes.
Comment: Absent from controls (or at extremely low frequency if recessive) in Genome Aggregation Database.;Null variant in a gene where loss of function (LOF) is a known mechanism of disease.;The prevalence of the variant in affected individuals is significantly increased compared to the prevalence in controls.;Patient's phenotype or family history is highly specific for a disease with a single genetic etiology.

Literature cited by the submitters: PubMed 10712197 (cited by Labcorp Genetics (formerly Invitae), Labcorp); PubMed 23913538 (cited by Labcorp Genetics (formerly Invitae), Labcorp); PubMed 21354044 (cited by Labcorp Genetics (formerly Invitae), Labcorp); PubMed 22155606 (cited by Labcorp Genetics (formerly Invitae), Labcorp).

NM_001042492.3(NF1):c.7300C>T (p.Gln2434Ter)

Gene: NF1 (neurofibromin 1; plus strand). Cytogenetic location: 17q11.2.
Variant type: single nucleotide variant.
Coding change: c.7300C>T on transcript NM_001042492.3 (MANE Select); coding-DNA position 7300, C replaced by T.
Protein change: p.Gln2434Ter; replaces glutamine 2434 with a stop codon.
Molecular consequence: nonsense.
Genome position (GRCh38, 1-based): chr17:31,349,230, C>T. VCF-style: chr17-31349230-C-T. GRCh37 (hg19) VCF-style: chr17-29676248-C-T.
Other names: c.7237C>T, p.Gln2413Ter (NM_000267.4); short protein forms Q2413*, Q2434*.
Identifiers: ClinVar variation 1070744 (VCV001070744.9), dbSNP rs2151572890, ClinGen allele CA399016886.